The following is an entry in ClinVar:

NM_020207.7(ERCC6L2):c.2915A>G (p.Lys972Arg)

Gene: ERCC6L2 (ERCC excision repair 6 like 2; plus strand). Cytogenetic location: 9q22.32.
Variant type: single nucleotide variant.
Coding change: c.2915A>G on transcript NM_020207.7 (MANE Select); coding-DNA position 2915, A replaced by G.
Protein change: p.Lys972Arg; replaces lysine 972 with arginine.
Molecular consequence: missense variant. On other transcripts: non-coding transcript variant (1).
Genome position (GRCh38, 1-based): chr9:95,972,666, A>G. VCF-style: chr9-95972666-A-G. GRCh37 (hg19) VCF-style: chr9-98734948-A-G.
Other names: c.2915A>G, p.Lys972Arg (NM_001375291.1, NM_001375292.1, NM_001375293.1 and 1 more transcripts); short protein forms K972R.
Identifiers: ClinVar variation 2998741 (VCV002998741.3), dbSNP rs1290488803, ClinGen allele CA589285428.
Genomic context (GRCh38, chr9:95,972,666, plus strand): 5'-GAAATGGAATAATTTCAAAAAAGTTAAGTCCTGAGAACACAACCCTGAAATCTATTTTGA[A>G]AAGAAAAGGCACCAGTGATATCAGTGATGAATCTGATGACATTGAAATTTCTTCCAAGTC-3'
Protein context (NP_064592.3, residues 962-982): PENTTLKSIL[Lys972Arg]RKGTSDISDE

ClinVar aggregate classification (germline): Uncertain significance (1 of 4 stars; one submission).

Allele frequency attached by ClinVar (database versions not stated): TOPMed below 0.00001; gnomAD exomes 0.00001.
gnomAD v4.1: 2 of 1,298,084 alleles (0.00015%); highest among the groups gnomAD compares: Non-Finnish European, 0.0002%; no homozygotes.

Submission:

Labcorp Genetics (formerly Invitae), Labcorp
Classification: Uncertain significance. Last evaluated: 2023-11-17. Review status: criteria provided, single submitter. Criteria: Invitae Variant Classification Sherloc (09022015). Collection method: clinical testing. Allele origin: germline.
Comment: This sequence change replaces lysine, which is basic and polar, with arginine, which is basic and polar, at codon 983 of the ERCC6L2 protein (p.Lys983Arg). This variant is not present in population databases (gnomAD no frequency). This variant has not been reported in the literature in individuals affected with ERCC6L2-related conditions. Experimental studies and prediction algorithms are not available or were not evaluated, and the functional significance of this variant is currently unknown. In summary, the available evidence is currently insufficient to determine the role of this variant in disease. Therefore, it has been classified as a Variant of Uncertain Significance.